The following is an entry in ClinVar:

ClinVar aggregate classification (germline): Uncertain significance. Review status: criteria provided, multiple submitters, no conflicts (2 of 4 stars). 6 submissions from 6 submitters: Uncertain significance (5). 1 of the submissions does not count toward it. Last evaluated 2025-05-11.

Conditions:
Familial cancer of breast. Also called: BREAST CANCER, FAMILIAL; Hereditary breast cancer; hereditary breast carcinoma. Identifiers: Orphanet 227535, MedGen C0346153, MONDO:0016419, OMIM 114480. Disease mechanism: loss of function.
Fanconi anemia complementation group J. Also called: BRIP1-Related Fanconi Anemia. Identifiers: Orphanet 84, MedGen C1836860, MONDO:0012187, OMIM 609054.
Hereditary cancer-predisposing syndrome. Also called: Hereditary Cancer Syndrome; Neoplastic Syndromes, Hereditary; Tumor predisposition; Hereditary neoplastic syndrome. Identifiers: Orphanet 140162, MedGen C0027672, MeSH D009386, MONDO:0015356.

Allele frequency attached by ClinVar (database versions not stated): gnomAD exomes below 0.00001; gnomAD 0.00001; TOPMed 0.00001.
gnomAD v4.1: 5 of 1,614,098 alleles (0.00031%); highest among the groups gnomAD compares: Non-Finnish European, 0.00042%; no homozygotes.

Submissions (6):

Labcorp Genetics (formerly Invitae), Labcorp
Classification: Uncertain significance for Familial cancer of breast; Fanconi anemia complementation group J. Last evaluated: 2025-05-11. Review status: criteria provided, single submitter. Criteria: Invitae Variant Classification Sherloc (09022015). Collection method: clinical testing. Allele origin: germline.
Comment: This sequence change replaces leucine, which is neutral and non-polar, with serine, which is neutral and polar, at codon 1047 of the BRIP1 protein (p.Leu1047Ser). This variant is present in population databases (rs786203344, gnomAD 0.0009%). This variant has not been reported in the literature in individuals affected with BRIP1-related conditions. ClinVar contains an entry for this variant (Variation ID: 186944). Invitae Evidence Modeling of protein sequence and biophysical properties (such as structural, functional, and spatial information, amino acid conservation, physicochemical variation, residue mobility, and thermodynamic stability) indicates that this missense variant is not expected to disrupt BRIP1 protein function with a negative predictive value of 95%. In summary, the available evidence is currently insufficient to determine the role of this variant in disease. Therefore, it has been classified as a Variant of Uncertain Significance.

Color Diagnostics, LLC DBA Color Health
Classification: Uncertain significance for Hereditary cancer-predisposing syndrome. Last evaluated: 2025-04-01. Review status: criteria provided, single submitter. Criteria: ACMG Guidelines, 2015. Collection method: clinical testing. Allele origin: germline.
Comment: This missense variant replaces leucine with serine at codon 1047 of the BRIP1 protein. Computational prediction suggests that this variant may not impact protein structure and function. To our knowledge, functional studies have not been reported for this variant. This variant has not been reported in individuals affected with hereditary cancer in the literature. This variant has been identified in 1/251458 chromosomes in the general population by the Genome Aggregation Database (gnomAD). The available evidence is insufficient to determine the role of this variant in disease conclusively. Therefore, this variant is classified as a Variant of Uncertain Significance.

Ambry Genetics
Classification: Uncertain significance for Hereditary cancer-predisposing syndrome. Last evaluated: 2025-03-05. Review status: criteria provided, single submitter. Criteria: Ambry Variant Classification Scheme 2023. Collection method: clinical testing. Allele origin: germline.
Comment: The p.L1047S variant (also known as c.3140T>C), located in coding exon 19 of the BRIP1 gene, results from a T to C substitution at nucleotide position 3140. The leucine at codon 1047 is replaced by serine, an amino acid with dissimilar properties. This alteration has been reported in 0/7636 unselected prostate cancer patients and has a carrier frequency of 0.00008 in 12366 male controls of Japanese ancestry (Momozawa Y et al. J Natl Cancer Inst, 2020 04;112:369-376). This amino acid position is highly conserved in available vertebrate species. In addition, the in silico prediction for this alteration is inconclusive. Since supporting evidence is limited at this time, the clinical significance of this alteration remains unclear.

Center for Genomic Medicine, Rigshospitalet, Copenhagen University Hospital
Classification: Uncertain significance. Last evaluated: 2025-03-04. Review status: criteria provided, single submitter. Criteria: ACMG Guidelines, 2015. Collection method: clinical testing. Allele origin: germline.

Baylor Genetics
Classification: Uncertain significance for Familial cancer of breast. Last evaluated: 2023-08-11. Review status: criteria provided, single submitter. Criteria: ACMG Guidelines, 2015. Collection method: clinical testing. Allele origin: unknown.

Leiden Open Variation Database
Classification: Uncertain significance. Last evaluated: 2019-08-13. Review status: no assertion criteria provided. Collection method: curation. Allele origin: germline. Affected: yes. Not counted in ClinVar's aggregate classification.
Comment: Curator: Arleen D. Auerbach. Submitter to LOVD: Yukihide Momozawa.

Literature cited by the submitters: PubMed 31214711 (cited by Ambry Genetics and Leiden Open Variation Database).

NM_032043.3(BRIP1):c.3140T>C (p.Leu1047Ser)

Gene: BRIP1 (BRCA1 interacting DNA helicase 1; minus strand). Cytogenetic location: 17q23.2.
Variant type: single nucleotide variant.
Coding change: c.3140T>C on transcript NM_032043.3 (MANE Select); coding-DNA position 3140, T replaced by C.
Protein change: p.Leu1047Ser; replaces leucine 1047 with serine.
Molecular consequence: missense variant.
Genome position (GRCh38, 1-based): chr17:61,683,906, A>G on the plus strand (T>C on the coding strand, the complement: BRIP1 is on the minus strand). VCF-style: chr17-61683906-A-G. GRCh37 (hg19) VCF-style: chr17-59761267-A-G.
Other names: short protein forms L1047S.
Identifiers: ClinVar variation 186944 (VCV000186944.24), dbSNP rs786203344, ClinGen allele CA196307.